The following is an entry in ClinVar:

ClinVar aggregate classification (germline): Uncertain significance. Review status: criteria provided, multiple submitters, no conflicts (2 of 4 stars). 4 submissions from 4 submitters: Uncertain significance (4). Last evaluated 2025-12-23.

Conditions:
Lynch syndrome. Identifiers: Orphanet 144, MedGen C4552100, MONDO:0005835. Disease mechanism: loss of function.
Hereditary nonpolyposis colorectal neoplasms. Identifiers: MedGen C0009405, MeSH D003123.
Hereditary cancer-predisposing syndrome. Also called: Neoplastic Syndromes, Hereditary; Tumor predisposition; Hereditary Cancer Syndrome; Hereditary neoplastic syndrome. Identifiers: Orphanet 140162, MedGen C0027672, MeSH D009386, MONDO:0015356.
Endometrial carcinoma. Also called: Endometrial carcinoma, somatic. Identifiers: MedGen C0476089, MONDO:0002447, OMIM 608089, HP:0012114.

Allele frequency attached by ClinVar (database versions not stated): gnomAD exomes below 0.00001.
gnomAD v4.1: 2 of 1,614,160 alleles (0.00012%); highest among the groups gnomAD compares: East Asian, 0.0022%; no homozygotes.

Submissions (4):

Labcorp Genetics (formerly Invitae), Labcorp
Classification: Uncertain significance for Hereditary nonpolyposis colorectal neoplasms. Last evaluated: 2025-12-23. Review status: criteria provided, single submitter. Criteria: Invitae Variant Classification Sherloc (09022015). Collection method: clinical testing. Allele origin: germline.
Comment: This sequence change replaces threonine, which is neutral and polar, with serine, which is neutral and polar, at codon 924 of the MSH6 protein (p.Thr924Ser). This variant is not present in population databases (gnomAD no frequency). This variant has not been reported in the literature in individuals affected with MSH6-related conditions. ClinVar contains an entry for this variant (Variation ID: 650537). Invitae Evidence Modeling of protein sequence and biophysical properties (such as structural, functional, and spatial information, amino acid conservation, physicochemical variation, residue mobility, and thermodynamic stability) indicates that this missense variant is not expected to disrupt MSH6 protein function with a negative predictive value of 95%. In summary, the available evidence is currently insufficient to determine the role of this variant in disease. Therefore, it has been classified as a Variant of Uncertain Significance.

Ambry Genetics
Classification: Uncertain significance for Hereditary cancer-predisposing syndrome. Last evaluated: 2025-06-10. Review status: criteria provided, single submitter. Criteria: Ambry Variant Classification Scheme 2023. Collection method: clinical testing. Allele origin: germline.
Comment: The p.T924S variant (also known as c.2771C>G), located in coding exon 4 of the MSH6 gene, results from a C to G substitution at nucleotide position 2771. The threonine at codon 924 is replaced by serine, an amino acid with similar properties. This amino acid position is highly conserved in available vertebrate species. In addition, the in silico prediction for this alteration is inconclusive. Since supporting evidence is limited at this time, the clinical significance of this alteration remains unclear.

Baylor Genetics
Classification: Uncertain significance for Endometrial carcinoma. Last evaluated: 2023-12-17. Review status: criteria provided, single submitter. Criteria: ACMG Guidelines, 2015. Collection method: clinical testing. Allele origin: unknown.

All of Us Research Program, National Institutes of Health
Classification: Uncertain significance for Lynch syndrome. Last evaluated: 2023-05-16. Review status: criteria provided, single submitter. Criteria: ACMG Guidelines, 2015. Collection method: clinical testing. Allele origin: germline. Inheritance: Autosomal dominant inheritance. Observed: 1 variant allele, 1 heterozygote.
Comment: This missense variant replaces threonine with serine at codon 924 of the MSH6 protein. Computational prediction suggests that this variant may not impact protein structure and function (internally defined REVEL score threshold <= 0.5, PMID: 27666373). To our knowledge, functional studies have not been reported for this variant. This variant has not been reported in individuals affected with MSH6-related disorders in the literature. This variant has not been identified in the general population by the Genome Aggregation Database (gnomAD). The available evidence is insufficient to determine the role of this variant in disease conclusively. Therefore, this variant is classified as a Variant of Uncertain Significance.

This study involves interpretation of variants in research participants for the purpose of population health screening. Participant phenotype was not available at the time of variant classification. Additional details can be found in publication PMID: 35346344, PMCID: PMC8962531

NM_000179.3(MSH6):c.2771C>G (p.Thr924Ser)

Gene: MSH6 (mutS homolog 6; plus strand). Cytogenetic location: 2p16.3.
Variant type: single nucleotide variant.
Coding change: c.2771C>G on transcript NM_000179.3 (MANE Select); coding-DNA position 2771, C replaced by G.
Protein change: p.Thr924Ser; replaces threonine 924 with serine.
Molecular consequence: missense variant.
Genome position (GRCh38, 1-based): chr2:47,800,754, C>G. VCF-style: chr2-47800754-C-G. GRCh37 (hg19) VCF-style: chr2-48027893-C-G.
Other names: c.2381C>G, p.Thr794Ser (NM_001281492.2); c.1865C>G, p.Thr622Ser (NM_001281493.2, NM_001281494.2); short protein forms T924S, T622S, T794S.
Identifiers: ClinVar variation 650537 (VCV000650537.14), dbSNP rs1553414130, ClinGen allele CA346755462.